The following is an entry in ClinVar:

ClinVar aggregate classification (germline): Likely pathogenic (1 of 4 stars; one submission).

Conditions:
Arrhythmogenic right ventricular dysplasia 8 (ARVD8). Also called: Arrhythmogenic Right Ventricular Dysplasia/Cardiomyopathy 8; ARRHYTHMOGENIC RIGHT VENTRICULAR DYSPLASIA, FAMILIAL, 8; ARRHYTHMOGENIC RIGHT VENTRICULAR CARDIOMYOPATHY 8. Identifiers: MedGen C1843896, MONDO:0011831, OMIM 607450.
Arrhythmogenic cardiomyopathy with wooly hair and keratoderma. Also called: Arrhythmogenic cardiomyopathy with woolly hair and keratoderma; Carvajal syndrome; Dilated cardiomyopathy with woolly hair and keratoderma; PALMOPLANTAR KERATODERMA WITH LEFT VENTRICULAR CARDIOMYOPATHY AND WOOLLY HAIR. Identifiers: Orphanet 65282, MedGen C1854063, MONDO:0011581, OMIM 605676.

Submission:

Labcorp Genetics (formerly Invitae), Labcorp
Classification: Likely pathogenic for Arrhythmogenic cardiomyopathy with wooly hair and keratoderma; Arrhythmogenic right ventricular dysplasia 8. Last evaluated: 2024-02-06. Review status: criteria provided, single submitter. Criteria: Invitae Variant Classification Sherloc (09022015). Collection method: clinical testing. Allele origin: germline.
Comment: This sequence change replaces threonine, which is neutral and polar, with isoleucine, which is neutral and non-polar, at codon 638 of the DSP protein (p.Thr638Ile). This variant is not present in population databases (gnomAD no frequency). This missense change has been observed in individual(s) with clinical features of autosomal dominant DSP-related conditions (Invitae). In at least one individual the variant was observed to be de novo. An algorithm developed to predict the effect of missense changes on protein structure and function (PolyPhen-2) suggests that this variant is likely to be tolerated. In summary, the currently available evidence indicates that the variant is pathogenic, but additional data are needed to prove that conclusively. Therefore, this variant has been classified as Likely Pathogenic.

NM_004415.4(DSP):c.1913C>T (p.Thr638Ile)

Gene: DSP (desmoplakin; plus strand). Cytogenetic location: 6p24.3.
Variant type: single nucleotide variant.
Coding change: c.1913C>T on transcript NM_004415.4 (MANE Select); coding-DNA position 1913, C replaced by T.
Protein change: p.Thr638Ile; replaces threonine 638 with isoleucine.
Molecular consequence: missense variant.
Genome position (GRCh38, 1-based): chr6:7,571,851, C>T. VCF-style: chr6-7571851-C-T. GRCh37 (hg19) VCF-style: chr6-7572084-C-T.
Other names: c.1913C>T, p.Thr638Ile (NM_001008844.3, NM_001319034.2); short protein forms T638I.
Identifiers: ClinVar variation 2922085 (VCV002922085.3), dbSNP rs2533896147, ClinGen allele CA362679986.